The following is an entry in ClinVar:

ClinVar aggregate classification (germline): Conflicting classifications of pathogenicity. Review status: criteria provided, conflicting classifications (1 of 4 stars). 4 submissions from 3 submitters: Uncertain significance (2); Likely benign (1). 1 of the submissions does not count toward it. Last evaluated 2023-06-06.

Conditions:
Maturity-onset diabetes of the young (MODY). Also called: Maturity onset diabetes mellitus in young. Identifiers: Orphanet 552, MedGen C0342276, MONDO:0018911, HP:0004904.
Transitory neonatal diabetes mellitus. Also called: Transient neonatal diabetes mellitus. Identifiers: MedGen C0342273, MONDO:0020525, HP:0008255.
Hereditary hyperinsulinism.

Allele frequency attached by ClinVar (database versions not stated): gnomAD exomes below 0.00001; ExAC 0.00001; gnomAD 0.00001.
gnomAD v4.1: 8 of 1,614,070 alleles (0.0005%); highest among the groups gnomAD compares: African/African-American, 0.0053%; no homozygotes.

Submissions (4):

Labcorp Genetics (formerly Invitae), Labcorp
Classification: Likely benign. Last evaluated: 2023-06-06. Review status: criteria provided, single submitter. Criteria: Invitae Variant Classification Sherloc (09022015). Collection method: clinical testing. Allele origin: germline.

Clinical Genomics, Uppaluri K&H Personalized Medicine Clinic
Classification: Uncertain significance for Transitory neonatal diabetes mellitus. Review status: criteria provided, single submitter. Criteria: K & H Uppaluri Personalized Medicine Clinic Variant Classification & Assertion Criteria_Updated V.1. Collection method: research. Allele origin: somatic. Inheritance: Somatic mutation.
Comment: Mutations in ABCC8 gene are associated with both neonatal diabetes mellitus as well as MODY. Patients with this mutation may have a better response to sulfonylureas. However, no sufficient evidence is found to ascertain the role of this particular variant ( rs747402972 ) in neonatal diabetes yet.

Clinical Genomics, Uppaluri K&H Personalized Medicine Clinic
Classification: Uncertain significance for Maturity-onset diabetes of the young. Review status: criteria provided, single submitter. Criteria: K & H Uppaluri Personalized Medicine Clinic Variant Classification & Assertion Criteria_Updated V.1. Collection method: research. Allele origin: somatic. Inheritance: Somatic mutation.
Comment: Mutations in ABCC8 gene are associated with both neonatal diabetes mellitus as well as MODY. Patients with this mutation may have a better response to sulfonylureas. However, no sufficient evidence is found to ascertain the role of this particular variant ( rs747402972 ) in MODY yet.

Natera, Inc.
Classification: Uncertain significance for Hereditary hyperinsulinism. Last evaluated: 2020-04-10. Review status: no assertion criteria provided. Collection method: clinical testing. Allele origin: germline. Not counted in ClinVar's aggregate classification.

Literature cited by the submitters: PubMed 16885549 (cited by Clinical Genomics, Uppaluri K&H Personalized Medicine Clinic); PubMed 21989597 (cited by Clinical Genomics, Uppaluri K&H Personalized Medicine Clinic); PubMed 27538677 (cited by Clinical Genomics, Uppaluri K&H Personalized Medicine Clinic); PubMed 18981553 (cited by Clinical Genomics, Uppaluri K&H Personalized Medicine Clinic); PubMed 32027066 (cited by Clinical Genomics, Uppaluri K&H Personalized Medicine Clinic); PubMed 16613899 (cited by Clinical Genomics, Uppaluri K&H Personalized Medicine Clinic); PubMed 18025408 (cited by Clinical Genomics, Uppaluri K&H Personalized Medicine Clinic); PubMed 32792356 (cited by Clinical Genomics, Uppaluri K&H Personalized Medicine Clinic).

NM_000352.6(ABCC8):c.4713C>T (p.Ser1571=)

Gene: ABCC8 (ATP binding cassette subfamily C member 8; minus strand). Cytogenetic location: 11p15.1.
Variant type: single nucleotide variant.
Coding change: c.4713C>T on transcript NM_000352.6 (MANE Select); coding-DNA position 4713, C replaced by T.
Protein change: p.Ser1571=; no amino-acid change (serine 1571 retained).
Molecular consequence: synonymous variant. On other transcripts: non-coding transcript variant (1).
Genome position (GRCh38, 1-based): chr11:17,393,024, G>A on the plus strand (C>T on the coding strand, the complement: ABCC8 is on the minus strand). VCF-style: chr11-17393024-G-A. GRCh37 (hg19) VCF-style: chr11-17414571-G-A.
Other names: c.4716C>T, p.Ser1572= (NM_001287174.3); c.4779C>T, p.Ser1593= (NM_001351295.2); c.4713C>T, p.Ser1571= (NM_001351296.2); c.4710C>T, p.Ser1570= (NM_001351297.2).
Identifiers: ClinVar variation 989950 (VCV000989950.10), dbSNP rs747402972, ClinGen allele CA5902378.